The following is an entry in ClinVar:

NM_001126121.2(SLC25A19):c.*164G>A

Genes: MIF4GD-DT (MIF4GD divergent transcript; plus strand), SLC25A19 (solute carrier family 25 member 19; minus strand). Cytogenetic location: 17q25.1.
Variant type: single nucleotide variant.
Coding change: c.*164G>A on transcript NM_001126121.2 (MANE Select); 164 bases downstream of the stop codon, G replaced by A.
Molecular consequence: 3 prime UTR variant. On other transcripts: non-coding transcript variant (1).
Genome position (GRCh38, 1-based): chr17:75,273,287, C>T on the plus strand (G>A on the coding strand, the complement: SLC25A19 is on the minus strand). VCF-style: chr17-75273287-C-T. GRCh37 (hg19) VCF-style: chr17-73269368-C-T.
Other names: c.*164G>A (NM_001126122.2, NM_021734.5).
Identifiers: ClinVar variation 890139 (VCV000890139.4), dbSNP rs371154305, ClinGen allele CA8760846.

ClinVar aggregate classification (germline): Benign (1 of 4 stars; one submission).

Conditions:
Amish lethal microcephaly (MCPHA). Also called: THIAMINE METABOLISM DYSFUNCTION SYNDROME 3 (MICROCEPHALY TYPE); MICROCEPHALY, AMISH TYPE. Identifiers: Orphanet 99742, MedGen C1846648, MONDO:0011790, OMIM 607196.

Allele frequency attached by ClinVar (database versions not stated): gnomAD below 0.00001 and 0.00003; TOPMed below 0.00001; gnomAD exomes 0.00031; 1000 Genomes Project 0.00040; 1000 Genomes Project 30x 0.00047; ExAC 0.00545.
gnomAD v4.1: 123 of 682,746 alleles (0.018%); highest among the groups gnomAD compares: South Asian, 0.21%; 2 homozygotes.

Submission:

Illumina Laboratory Services, Illumina
Classification: Benign for Amish lethal microcephaly. Last evaluated: 2018-03-06. Review status: criteria provided, single submitter. Criteria: ICSL Variant Classification Criteria 13 December 2019. Collection method: clinical testing. Allele origin: germline.
Comment: This variant was observed in the ICSL laboratory as part of a predisposition screen in an ostensibly healthy population. It had not been previously curated by ICSL or reported in the Human Gene Mutation Database (HGMD: prior to June 1st, 2018), and was therefore a candidate for classification through an automated scoring system. Utilizing variant allele frequency, disease prevalence and penetrance estimates, and inheritance mode, an automated score was calculated to assess if this variant is too frequent to cause the disease. Based on the score and internal cut-off values, a variant classified as benign is not then subjected to further curation. The score for this variant resulted in a classification of benign for this disease.